The following is an entry in ClinVar:

NM_018062.4(FANCL):c.776-13_776-10del

Gene: FANCL (FA complementation group L; minus strand). Cytogenetic location: 2p16.1.
Variant type: Deletion.
Coding change: c.776-13_776-10del on transcript NM_018062.4 (MANE Select); 13 bases into the intron before coding-DNA position 776 through 10 bases into the intron before coding-DNA position 776, 4 bases deleted (TTTT; older notation c.776-13_776-10delTTTT).
Molecular consequence: intron variant.
Genome position (GRCh38, 1-based): chr2:58,163,084-58,163,087, AAAA deleted on the plus strand (TTTT on the coding strand, the reverse complement: FANCL is on the minus strand); deleting any 4 consecutive bases within chr2:58,163,084-58,163,095 gives the same sequence; the c. name uses the placement nearest the transcript's 3' end. VCF-style (leftmost placement, unchanged base first): chr2-58163083-TAAAA-T. GRCh37 (hg19) VCF-style: chr2-58390218-TAAAA-T.
Other names: c.821-13_821-10del (NM_001374615.1); c.791-13_791-10del (NM_001114636.2); c.836-13_836-10del (NM_001410792.1).
Identifiers: ClinVar variation 1391083 (VCV001391083.6), dbSNP rs374236117, ClinGen allele CA2573134956.

ClinVar aggregate classification (germline): Uncertain significance (1 of 4 stars; one submission).

Conditions:
Fanconi anemia (FA). Also called: Fanconi's anemia. Identifiers: Orphanet 84, MedGen C0015625, MeSH D005199, MONDO:0019391.

Submission:

Labcorp Genetics (formerly Invitae), Labcorp
Classification: Uncertain significance for Fanconi anemia. Last evaluated: 2022-12-14. Review status: criteria provided, single submitter. Criteria: Invitae Variant Classification Sherloc (09022015). Collection method: clinical testing. Allele origin: germline.
Comment: In summary, the available evidence is currently insufficient to determine the role of this variant in disease. Therefore, it has been classified as a Variant of Uncertain Significance. Algorithms developed to predict the effect of sequence changes on RNA splicing suggest that this variant may disrupt the consensus splice site. ClinVar contains an entry for this variant (Variation ID: 1391083). This variant has not been reported in the literature in individuals affected with FANCL-related conditions. This variant is not present in population databases (gnomAD no frequency). This sequence change falls in intron 9 of the FANCL gene. It does not directly change the encoded amino acid sequence of the FANCL protein.